The following is an entry in ClinVar:

NM_000023.4(SGCA):c.748G>T (p.Val250Leu)

Gene: SGCA (sarcoglycan alpha; plus strand). Cytogenetic location: 17q21.33.
Variant type: single nucleotide variant.
Coding change: c.748G>T on transcript NM_000023.4 (MANE Select); coding-DNA position 748, G replaced by T.
Protein change: p.Val250Leu; replaces valine 250 with leucine.
Molecular consequence: missense variant. On other transcripts: intron variant (1).
Genome position (GRCh38, 1-based): chr17:50,170,143, G>T. VCF-style: chr17-50170143-G-T. GRCh37 (hg19) VCF-style: chr17-48247504-G-T.
Other names: c.585-497G>T (NM_001135697.3); short protein forms V250L.
Identifiers: ClinVar variation 1399796 (VCV001399796.7), dbSNP rs1473539605, ClinGen allele CA400181242.

ClinVar aggregate classification (germline): Likely pathogenic (1 of 4 stars; one submission).

Conditions:
Autosomal recessive limb-girdle muscular dystrophy type 2D (LGMDR3). Also called: DUCHENNE-LIKE AUTOSOMAL RECESSIVE MUSCULAR DYSTROPHY, TYPE 2; ADHALINOPATHY, PRIMARY; MUSCULAR DYSTROPHY, LIMB-GIRDLE, AUTOSOMAL RECESSIVE 3. Identifiers: Orphanet 62, MedGen C2936332, MONDO:0011968, OMIM 608099. Disease mechanism: Affects gamma-sarcoglycan and also disrupts the integrity of the entire sarcoglycan complex..

Allele frequency attached by ClinVar (database versions not stated): TOPMed below 0.00001.
gnomAD v4.1: 1 of 1,613,946 alleles (0.000062%); highest among the groups gnomAD compares: Non-Finnish European, 0.000085%; no homozygotes.

Submission:

Labcorp Genetics (formerly Invitae), Labcorp
Classification: Likely pathogenic for Autosomal recessive limb-girdle muscular dystrophy type 2D. Last evaluated: 2025-04-17. Review status: criteria provided, single submitter. Criteria: Invitae Variant Classification Sherloc (09022015). Collection method: clinical testing. Allele origin: germline.
Comment: This sequence change replaces valine, which is neutral and non-polar, with leucine, which is neutral and non-polar, at codon 250 of the SGCA protein (p.Val250Leu). This variant is not present in population databases (gnomAD no frequency). This missense change has been observed in individual(s) with limb-girdle muscular dystrophy (PMID: 29970176, 32528171). ClinVar contains an entry for this variant (Variation ID: 1399796). An algorithm developed to predict the effect of missense changes on protein structure and function (PolyPhen-2) suggests that this variant is likely to be tolerated. Algorithms developed to predict the effect of sequence changes on RNA splicing suggest that this variant may disrupt the consensus splice site. In summary, the currently available evidence indicates that the variant is pathogenic, but additional data are needed to prove that conclusively. Therefore, this variant has been classified as Likely Pathogenic.

Literature cited by the submitters: PubMed 29970176; PubMed 32528171.